The following is an entry in ClinVar:

ClinVar aggregate classification (germline): Conflicting classifications of pathogenicity. Review status: criteria provided, conflicting classifications (1 of 4 stars). 6 submissions from 6 submitters: Pathogenic (1); Likely pathogenic (3); Uncertain significance (1). 1 of the submissions does not count toward it. Last evaluated 2025-03-24.

Conditions:
Inborn genetic diseases. Identifiers: MedGen C0950123, MeSH D030342.
Aarskog syndrome (AAS). Also called: Aarskog Scott syndrome; Aarskog disease; Aarskog-Scott syndrome, X-linked; FGD1-Related Faciogenital Dysplasia (Aarskog-Scott Syndrome); FGDY. Identifiers: Orphanet 915, MedGen C0175701, MONDO:0010589, OMIM 305400.

Submissions (6):

GeneDx
Classification: Pathogenic. Last evaluated: 2025-03-24. Review status: criteria provided, single submitter. Criteria: GeneDx Variant Classification Process June 2021. Collection method: clinical testing. Allele origin: germline.
Comment: Published functional studies suggest a damaging effect on downstream signaling (PMID: 21965325); Not observed at significant frequency in large population cohorts (gnomAD); In silico analysis supports that this missense variant has a deleterious effect on protein structure/function; This variant is associated with the following publications: (PMID: 20082460, 21739585, 14560308, 17847065, 24770546, 38299177, 38259611, 21965325)

Women's Health and Genetics/Laboratory Corporation of America, LabCorp
Classification: Uncertain significance. Last evaluated: 2024-05-14. Review status: criteria provided, single submitter. Criteria: LabCorp Variant Classification Summary - May 2015. Collection method: clinical testing. Allele origin: germline.
Comment: Variant summary: FGD1 c.1328G>A (p.Arg443His) results in a non-conservative amino acid change located in the Dbl homology (DH) domain (IPR000219) of the encoded protein sequence. Five of five in-silico tools predict a damaging effect of the variant on protein function. The frequency data for this variant in gnomAD is considered unreliable, as metrics indicate poor data quality at this position. c.1328G>A has been reported in the literature in an individual affected with Aarskog Syndrome (Orrico_2004). These data do not allow any conclusion about variant significance. At least one publication reports experimental evidence evaluating an impact on protein function. The most pronounced variant effect results in about 45% reduction in phosphorylation of the downstream target MLK3 and Runx2-responsive OG2-luc activity (Zou_2011). The following publications have been ascertained in the context of this evaluation (PMID: 14560308, 21965325). ClinVar contains an entry for this variant (Variation ID: 521263). Based on the evidence outlined above, the variant was classified as VUS-possibly pathogenic.

CeGaT Center for Human Genetics Tuebingen
Classification: Likely pathogenic. Last evaluated: 2023-10-01. Review status: criteria provided, single submitter. Criteria: CeGaT Center For Human Genetics Tuebingen Variant Classification Criteria Version 2. Collection method: clinical testing. Allele origin: germline. Affected: yes. Observed: 2 variant alleles.
Comment: FGD1: PM2, PM5:Supporting, PP2, PP3, PP4, PS4:Supporting

MVZ Martinsried, Medicover Genetics
Classification: Likely pathogenic for Aarskog syndrome. Last evaluated: 2022-03-02. Review status: criteria provided, single submitter. Criteria: ACGS Guidelines, 2020. Collection method: clinical testing. Allele origin: maternal. Affected: yes.

Ambry Genetics
Classification: Likely pathogenic for Inborn genetic diseases. Last evaluated: 2016-08-31. Review status: criteria provided, single submitter. Criteria: Ambry exome assertion method (8-5-2015). Collection method: clinical testing. Allele origin: germline. Affected: yes. Observed: 1 variant allele.

Istanbul Faculty of Medicine, Istanbul University
Classification: Pathogenic for Aarskog syndrome. Last evaluated: 2024-10-02. Review status: no assertion criteria provided. Collection method: clinical testing. Allele origin: germline. Affected: yes. Observed: 1 variant allele. Not counted in ClinVar's aggregate classification.
Comment: PM3, PM2, PP3, PM5, PP2

Literature cited by the submitters: PubMed 14560308 (cited by Women's Health and Genetics/Laboratory Corporation of America, LabCorp); PubMed 21965325 (cited by Women's Health and Genetics/Laboratory Corporation of America, LabCorp); PubMed 17847065 (cited by Ambry Genetics).

NM_004463.3(FGD1):c.1328G>A (p.Arg443His)

Gene: FGD1 (FYVE, RhoGEF and PH domain containing 1; minus strand). Cytogenetic location: Xp11.22.
Variant type: single nucleotide variant.
Coding change: c.1328G>A on transcript NM_004463.3 (MANE Select); coding-DNA position 1328, G replaced by A.
Protein change: p.Arg443His; replaces arginine 443 with histidine.
Molecular consequence: missense variant.
Genome position (GRCh38, 1-based): chrX:54,467,796, C>T on the plus strand (G>A on the coding strand, the complement: FGD1 is on the minus strand). VCF-style: chrX-54467796-C-T. GRCh37 (hg19) VCF-style: chrX-54494229-C-T.
Other names: short protein forms R443H.
Identifiers: ClinVar variation 521263 (VCV000521263.36), dbSNP rs137853266, ClinGen allele CA413246298.
Genomic context (GRCh38, chrX:54,467,796, plus strand): 5'-CAGGCAGGTGGACAGGGGAGTGGGCAGTCTAGGTCTAGGGCCCCTCACCATTCCTCCATG[C>T]GCTTCTCTAGCTCAGGCAGCAGGAACTGCTGGTGGAAGCAATAGATGGAGCAGATGTTAG-3'
Protein context (NP_004454.2, residues 433-453): QQFLLPELEK[Arg443His]MEEWDRYPRI